The following is an entry in ClinVar:

NC_000006.11:g.(?_5771504)_(5771662_?)del

Gene: FARS2 (phenylalanyl-tRNA synthetase 2, mitochondrial; plus strand). Cytogenetic location: 6p25.1.
Variant type: Deletion.
Identifiers: ClinVar variation 1446541 (VCV001446541.5).

ClinVar aggregate classification (germline): Uncertain significance (1 of 4 stars; one submission).

Conditions:
Combined oxidative phosphorylation defect type 14. Also called: Combined oxidative phosphorylation deficiency 14. Identifiers: Orphanet 319519, MedGen C4755312, MONDO:0013986, OMIM 614946.

Submission:

Labcorp Genetics (formerly Invitae), Labcorp
Classification: Uncertain significance for Combined oxidative phosphorylation defect type 14. Last evaluated: 2021-08-12. Review status: criteria provided, single submitter. Criteria: Invitae Variant Classification Sherloc (09022015). Collection method: clinical testing. Allele origin: germline.
Comment: This variant is a gross deletion of the genomic region encompassing exon(s) 7 of the FARS2 gene, which includes the termination codon. This deletion extends beyond the assayed region for this gene and therefore may encompass additional genes. While this deletion is not anticipated to lead to nonsense mediated decay, it is expected to alter mRNA translation or result in a truncated protein product. This variant has not been reported in the literature in individuals affected with FARS2-related conditions. Experimental studies and prediction algorithms are not available or were not evaluated, and the functional significance of this variant is currently unknown. In summary, the available evidence is currently insufficient to determine the role of this variant in disease. Therefore, it has been classified as a Variant of Uncertain Significance.